The following is an entry in ClinVar:

NM_002184.4(IL6ST):c.1106C>G (p.Thr369Ser)

Gene: IL6ST (interleukin 6 cytokine family signal transducer; minus strand). Cytogenetic location: 5q11.2.
Variant type: single nucleotide variant.
Coding change: c.1106C>G on transcript NM_002184.4 (MANE Select); coding-DNA position 1106, C replaced by G.
Protein change: p.Thr369Ser; replaces threonine 369 with serine.
Molecular consequence: missense variant. On other transcripts: 3 prime UTR variant (1), non-coding transcript variant (2).
Genome position (GRCh38, 1-based): chr5:55,956,186, G>C on the plus strand (C>G on the coding strand, the complement: IL6ST is on the minus strand). VCF-style: chr5-55956186-G-C. GRCh37 (hg19) VCF-style: chr5-55252014-G-C.
Other names: c.110C>G, p.Thr37Ser (NM_001364279.2); c.*33C>G (NM_175767.3); c.1106C>G, p.Thr369Ser (NM_001190981.2, NM_001364275.2); c.896C>G, p.Thr299Ser (NM_001364276.2); c.239C>G, p.Thr80Ser (NM_001364277.2); c.203C>G, p.Thr68Ser (NM_001364278.2); short protein forms T37S, T369S, T80S, T299S, T68S.
Identifiers: ClinVar variation 3699872 (VCV003699872.2).

ClinVar aggregate classification (germline): Uncertain significance (1 of 4 stars; one submission).

gnomAD v4.1: 9 of 1,612,254 alleles (0.00056%); highest among the groups gnomAD compares: Admixed American, 0.015%; no homozygotes.

Submission:

Labcorp Genetics (formerly Invitae), Labcorp
Classification: Uncertain significance. Last evaluated: 2024-11-28. Review status: criteria provided, single submitter. Criteria: Invitae Variant Classification Sherloc (09022015). Collection method: clinical testing. Allele origin: germline.
Comment: This sequence change replaces threonine, which is neutral and polar, with serine, which is neutral and polar, at codon 369 of the IL6ST protein (p.Thr369Ser). This variant is present in population databases (rs749691695, gnomAD 0.02%). This variant has not been reported in the literature in individuals affected with IL6ST-related conditions. An algorithm developed to predict the effect of missense changes on protein structure and function (PolyPhen-2) suggests that this variant is likely to be tolerated. Algorithms developed to predict the effect of sequence changes on RNA splicing suggest that this variant may create or strengthen a splice site. In summary, the available evidence is currently insufficient to determine the role of this variant in disease. Therefore, it has been classified as a Variant of Uncertain Significance.